The following is an entry in ClinVar:

ClinVar aggregate classification (germline): Uncertain significance (1 of 4 stars; one submission).

Conditions:
Erythrocytosis, familial, 3 (ECYT3). Identifiers: Orphanet 247511, MedGen C1853286, MONDO:0012353, OMIM 609820.

Submission:

Labcorp Genetics (formerly Invitae), Labcorp
Classification: Uncertain significance for Erythrocytosis, familial, 3. Last evaluated: 2021-10-23. Review status: criteria provided, single submitter. Criteria: Invitae Variant Classification Sherloc (09022015). Collection method: clinical testing. Allele origin: germline.
Comment: This sequence change replaces alanine with glycine at codon 190 of the EGLN1 protein (p.Ala190Gly). The alanine residue is moderately conserved and there is a small physicochemical difference between alanine and glycine. This variant is not present in population databases (ExAC no frequency). This variant has not been reported in the literature in individuals affected with EGLN1-related conditions. Algorithms developed to predict the effect of missense changes on protein structure and function (SIFT, PolyPhen-2, Align-GVGD) all suggest that this variant is likely to be tolerated. In summary, the available evidence is currently insufficient to determine the role of this variant in disease. Therefore, it has been classified as a Variant of Uncertain Significance.

NM_022051.3(EGLN1):c.569C>G (p.Ala190Gly)

Gene: EGLN1 (egl-9 family hypoxia inducible factor 1; minus strand). Cytogenetic location: 1q42.2.
Variant type: single nucleotide variant.
Coding change: c.569C>G on transcript NM_022051.3 (MANE Select); coding-DNA position 569, C replaced by G.
Protein change: p.Ala190Gly; replaces alanine 190 with glycine.
Molecular consequence: missense variant.
Genome position (GRCh38, 1-based): chr1:231,421,320, G>C on the plus strand (C>G on the coding strand, the complement: EGLN1 is on the minus strand). VCF-style: chr1-231421320-G-C. GRCh37 (hg19) VCF-style: chr1-231557066-G-C.
Other names: c.569C>G, p.Ala190Gly (NM_001377260.1, NM_001377261.1); short protein forms A190G.
Identifiers: ClinVar variation 1397110 (VCV001397110.6), dbSNP rs769931960, ClinGen allele CA345236541.